The following is an entry in ClinVar:

ClinVar aggregate classification (germline): Uncertain significance (1 of 4 stars; one submission).

Conditions:
Left ventricular noncompaction 1 (LVNC1). Also called: LEFT VENTRICULAR NONCOMPACTION 1 WITH OR WITHOUT CONGENITAL HEART DEFECTS. Identifiers: Orphanet 54260, MedGen C1858725, MONDO:0011403, OMIM 604169.

Allele frequency attached by ClinVar (database versions not stated): gnomAD exomes below 0.00001; TOPMed 0.00001.
gnomAD v4.1: 6 of 1,613,846 alleles (0.00037%); highest among the groups gnomAD compares: Admixed American, 0.0083%; no homozygotes.

Submission:

Labcorp Genetics (formerly Invitae), Labcorp
Classification: Uncertain significance for Left ventricular noncompaction 1. Last evaluated: 2023-09-28. Review status: criteria provided, single submitter. Criteria: Invitae Variant Classification Sherloc (09022015). Collection method: clinical testing. Allele origin: germline.
Comment: This sequence change falls in intron 13 of the DTNA gene. It does not directly change the encoded amino acid sequence of the DTNA protein. It affects a nucleotide within the consensus splice site. This variant is present in population databases (no rsID available, gnomAD 0.006%). This variant has not been reported in the literature in individuals affected with DTNA-related conditions. Variants that disrupt the consensus splice site are a relatively common cause of aberrant splicing (PMID: 17576681, 9536098). Algorithms developed to predict the effect of sequence changes on RNA splicing suggest that this variant may disrupt the consensus splice site. In summary, the available evidence is currently insufficient to determine the role of this variant in disease. Therefore, it has been classified as a Variant of Uncertain Significance.

Literature cited by the submitters: PubMed 17576681; PubMed 9536098.

NM_001386795.1(DTNA):c.1435-3C>T

Gene: DTNA (dystrobrevin alpha; plus strand). Cytogenetic location: 18q12.1.
Variant type: single nucleotide variant.
Coding change: c.1435-3C>T on transcript NM_001386795.1 (MANE Select); 3 bases into the intron before coding-DNA position 1435, C replaced by T.
Molecular consequence: intron variant.
Genome position (GRCh38, 1-based): chr18:34,851,828, C>T. VCF-style: chr18-34851828-C-T. GRCh37 (hg19) VCF-style: chr18-32431792-C-T.
Other names: c.1174-6C>T (NM_001386774.1, NM_001386768.1, NM_001386773.1 and 1 more transcripts); c.1354-3C>T (NM_001390.5, NM_001391.5); c.424-3C>T (NM_001198943.1); c.481-3C>T (NM_001198942.1); c.310-3C>T (NM_001198944.1); c.298-3C>T (NM_032980.4); c.220-3C>T (NM_032981.5); c.1183-3C>T (NM_032975.4, NM_001386761.1, NM_032979.5); and 7 more.
Identifiers: ClinVar variation 2730580 (VCV002730580.3), dbSNP rs1341956798, ClinGen allele CA629175994.